The following is an entry in ClinVar:

NM_005045.4(RELN):c.4639C>T (p.Arg1547Ter)

Gene: RELN (reelin; minus strand). Cytogenetic location: 7q22.1.
Variant type: single nucleotide variant.
Coding change: c.4639C>T on transcript NM_005045.4 (MANE Select); coding-DNA position 4639, C replaced by T.
Protein change: p.Arg1547Ter; replaces arginine 1547 with a stop codon.
Molecular consequence: nonsense.
Genome position (GRCh38, 1-based): chr7:103,566,709, G>A on the plus strand (C>T on the coding strand, the complement: RELN is on the minus strand). VCF-style: chr7-103566709-G-A. GRCh37 (hg19) VCF-style: chr7-103207156-G-A.
Other names: c.4639C>T, p.Arg1547Ter (NM_173054.3); short protein forms R1547*.
Identifiers: ClinVar variation 1355125 (VCV001355125.6), dbSNP rs2117189408, ClinGen allele CA368748567.

ClinVar aggregate classification (germline): Pathogenic (1 of 4 stars; one submission).

Conditions:
Norman-Roberts syndrome (LIS2). Also called: Lissencephaly 2 (Norman-Roberts type). Identifiers: Orphanet 89844, MedGen C0796089, MONDO:0009760, OMIM 257320.
Familial temporal lobe epilepsy 7. Identifiers: Orphanet 101046, MedGen C4225327, MONDO:0014639, OMIM 616436.

Submission:

Labcorp Genetics (formerly Invitae), Labcorp
Classification: Pathogenic for Familial temporal lobe epilepsy 7; Norman-Roberts syndrome. Last evaluated: 2024-04-03. Review status: criteria provided, single submitter. Criteria: Invitae Variant Classification Sherloc (09022015). Collection method: clinical testing. Allele origin: germline.
Comment: This sequence change creates a premature translational stop signal (p.Arg1547*) in the RELN gene. It is expected to result in an absent or disrupted protein product. Loss-of-function variants in RELN are known to be pathogenic (PMID: 10973257, 26046367, 28454995). This variant is not present in population databases (gnomAD no frequency). This variant has not been reported in the literature in individuals affected with RELN-related conditions. ClinVar contains an entry for this variant (Variation ID: 1355125). For these reasons, this variant has been classified as Pathogenic.

Literature cited by the submitters: PubMed 10973257; PubMed 26046367; PubMed 28454995.